The following is an entry in ClinVar:

ClinVar aggregate classification (germline): Uncertain significance (1 of 4 stars; one submission).

Submission:

GeneDx
Classification: Uncertain significance. Last evaluated: 2022-11-08. Review status: criteria provided, single submitter. Criteria: GeneDx Variant Classification Process June 2021. Collection method: clinical testing. Allele origin: germline. Affected: yes.
Comment: Not observed at significant frequency in large population cohorts (gnomAD); In silico analysis supports that this missense variant does not alter protein structure/function; Has not been previously published as pathogenic or benign to our knowledge

NM_145239.3(PRRT2):c.776G>T (p.Gly259Val)

Genes: MVP-DT (MVP divergent transcript; minus strand), PRRT2 (proline rich transmembrane protein 2; plus strand). Cytogenetic location: 16p11.2.
Variant type: single nucleotide variant.
Coding change: c.776G>T on transcript NM_145239.3 (MANE Select); coding-DNA position 776, G replaced by T.
Protein change: p.Gly259Val; replaces glycine 259 with valine.
Molecular consequence: missense variant.
Genome position (GRCh38, 1-based): chr16:29,813,830, G>T. VCF-style: chr16-29813830-G-T. GRCh37 (hg19) VCF-style: chr16-29825151-G-T.
Other names: c.776G>T, p.Gly259Val (NM_001256442.2, NM_001256443.2); short protein forms G259V.
Identifiers: ClinVar variation 2501894 (VCV002501894.1), dbSNP rs777074603, ClinGen allele CA395479668.